The following is an entry in ClinVar:

NM_001267550.2(TTN):c.80468G>C (p.Gly26823Ala)

Genes: TTN (titin; minus strand), TTN-AS1 (TTN antisense RNA 1; plus strand). Cytogenetic location: 2q31.2.
Variant type: single nucleotide variant.
Coding change: c.80468G>C on transcript NM_001267550.2 (MANE Select); coding-DNA position 80468, G replaced by C.
Protein change: p.Gly26823Ala; replaces glycine 26823 with alanine.
Molecular consequence: missense variant.
Genome position (GRCh38, 1-based): chr2:178,565,664, C>G on the plus strand (G>C on the coding strand, the complement: TTN is on the minus strand). VCF-style: chr2-178565664-C-G. GRCh37 (hg19) VCF-style: chr2-179430391-C-G.
Other names: c.75545G>C, p.Gly25182Ala (NM_001256850.1); c.53273G>C, p.Gly17758Ala (NM_003319.4); c.72764G>C, p.Gly24255Ala (NM_133378.4); c.53648G>C, p.Gly17883Ala (NM_133432.3); c.53849G>C, p.Gly17950Ala (NM_133437.4); short protein forms G26823A, G17758A, G17883A, G17950A, G24255A, G25182A.
Identifiers: ClinVar variation 1746847 (VCV001746847.3), dbSNP rs114071241, ClinGen allele CA1989340.

ClinVar aggregate classification (germline): Uncertain significance. Review status: criteria provided, multiple submitters, no conflicts (2 of 4 stars). 2 submissions from 2 submitters: Uncertain significance (2). Last evaluated 2024-07-23.

Conditions:
Cardiovascular phenotype. Identifiers: MedGen CN230736.

Allele frequency attached by ClinVar (database versions not stated): ExAC 0.00002; gnomAD 0.00002; TOPMed 0.00003; 1000 Genomes Project 0.00040; 1000 Genomes Project 30x 0.00047.

Submissions (2):

GeneDx
Classification: Uncertain significance. Last evaluated: 2024-07-23. Review status: criteria provided, single submitter. Criteria: GeneDx Variant Classification Process June 2021. Collection method: clinical testing. Allele origin: germline. Affected: yes.
Comment: Not observed at significant frequency in large population cohorts (gnomAD); Missense variant in a gene in which most reported pathogenic variants are truncating/loss of function; Has not been previously published as pathogenic or benign to our knowledge

Ambry Genetics
Classification: Uncertain significance for Cardiovascular phenotype. Last evaluated: 2019-03-12. Review status: criteria provided, single submitter. Criteria: Ambry Variant Classification Scheme 2023. Collection method: clinical testing. Allele origin: germline.
Comment: The p.G17758A variant (also known as c.53273G>C), located in coding exon 153 of the TTN gene, results from a G to C substitution at nucleotide position 53273. The glycine at codon 17758 is replaced by alanine, an amino acid with similar properties. This amino acid position is highly conserved in available vertebrate species. In addition, this alteration is predicted to be tolerated by in silico analysis. Since supporting evidence is limited at this time, the clinical significance of this alteration remains unclear.